The following is an entry in ClinVar:

ClinVar aggregate classification (germline): Uncertain significance (1 of 4 stars; one submission).

Conditions:
TWIST1-related craniosynostosis (CRS1). Also called: CRANIOSYNOSTOSIS 1. Identifiers: Orphanet 63440, MedGen C4551902, MONDO:0007399, OMIM 123100. Inheritance: Heterogenous inheritance pattern.
Saethre-Chotzen syndrome (SCS). Also called: ACROCEPHALY, SKULL ASYMMETRY, AND MILD SYNDACTYLY; ACS III; CHOTZEN SYNDROME. Identifiers: Orphanet 794, MedGen C0175699, MONDO:0007042, OMIM 101400.

Submission:

Labcorp Genetics (formerly Invitae), Labcorp
Classification: Uncertain significance for TWIST1-related craniosynostosis; Saethre-Chotzen syndrome. Last evaluated: 2023-08-11. Review status: criteria provided, single submitter. Criteria: Invitae Variant Classification Sherloc (09022015). Collection method: clinical testing. Allele origin: germline.
Comment: An algorithm developed to predict the effect of missense changes on protein structure and function (PolyPhen-2) suggests that this variant is likely to be tolerated. In summary, the available evidence is currently insufficient to determine the role of this variant in disease. Therefore, it has been classified as a Variant of Uncertain Significance. This variant has not been reported in the literature in individuals affected with TWIST1-related conditions. This variant is not present in population databases (gnomAD no frequency). This sequence change replaces serine, which is neutral and polar, with threonine, which is neutral and polar, at codon 170 of the TWIST1 protein (p.Ser170Thr).

NM_000474.4(TWIST1):c.508T>A (p.Ser170Thr)

Genes: TWIST1 (twist family bHLH transcription factor 1; minus strand), LOC129998021 (ATAC-STARR-seq lymphoblastoid active region 25682; plus strand). Cytogenetic location: 7p21.1.
Variant type: single nucleotide variant.
Coding change: c.508T>A on transcript NM_000474.4 (MANE Select); coding-DNA position 508, T replaced by A.
Protein change: p.Ser170Thr; replaces serine 170 with threonine.
Molecular consequence: missense variant. On other transcripts: non-coding transcript variant (1).
Genome position (GRCh38, 1-based): chr7:19,116,814, A>T on the plus strand (T>A on the coding strand, the complement: TWIST1 is on the minus strand). VCF-style: chr7-19116814-A-T. GRCh37 (hg19) VCF-style: chr7-19156437-A-T.
Other names: short protein forms S170T.
Identifiers: ClinVar variation 2940339 (VCV002940339.3), dbSNP rs200793804, ClinGen allele CA155466581.